The following is an entry in ClinVar:

ClinVar aggregate classification (germline): Likely pathogenic (1 of 4 stars; one submission).

Conditions:
Bartter syndrome. Identifiers: Orphanet 112, MedGen C0004775, MONDO:0015231.

Allele frequency attached by ClinVar (database versions not stated): gnomAD exomes below 0.00001.

Submission:

Women's Health and Genetics/Laboratory Corporation of America, LabCorp
Classification: Likely pathogenic for Bartter syndrome. Last evaluated: 2023-02-24. Review status: criteria provided, single submitter. Criteria: LabCorp Variant Classification Summary - May 2015. Collection method: clinical testing. Allele origin: germline.
Comment: Variant summary: KCNJ1 c.63_112del50 (p.Phe21LeufsX37) results in a premature termination codon, predicted to cause a truncation of the encoded protein or absence of the protein due to nonsense mediated decay, which are commonly known mechanisms for disease. Truncations downstream of this position have been classified as pathogenic by our laboratory. The variant was absent in 251332 control chromosomes (gnomAD). To our knowledge, no occurrence of c.63_112del50 in individuals affected with Bartter Syndrome, Type 2 and no experimental evidence demonstrating its impact on protein function have been reported. No clinical diagnostic laboratories have submitted clinical-significance assessments for this variant to ClinVar after 2014. Based on the evidence outlined above, the variant was classified as likely pathogenic.

NM_153766.3(KCNJ1):c.6_55del (p.Phe2fs)

Gene: KCNJ1 (potassium inwardly rectifying channel subfamily J member 1; minus strand). Cytogenetic location: 11q24.3.
Variant type: Deletion.
Coding change: c.6_55del on transcript NM_153766.3 (MANE Select); coding-DNA positions 6 to 55, 50 bases deleted.
Protein change: p.Phe2fs; shifts the reading frame from phenylalanine 2.
Molecular consequence: frameshift variant.
Genome position (GRCh38, 1-based): chr11:128,840,189-128,840,238, 50 bases deleted. GRCh37 (hg19): chr11:128,710,084-128,710,133.
Other names: c.63_112del, p.Phe21fs (NM_000220.6); c.6_55del, p.Phe2fs (NM_153764.3, NM_153767.4); c.57_106del, p.Phe19fs (NM_153765.3); c.63_112del50 (NM_000220.4); short protein forms F19fs, F21fs, F2fs.
Identifiers: ClinVar variation 2445952 (VCV002445952.1), dbSNP rs2497573845, ClinGen allele CA2580083828.